The following is an entry in ClinVar:

ClinVar aggregate classification (germline): Uncertain significance (1 of 4 stars; one submission).

Submission:

GeneDx
Classification: Uncertain significance. Last evaluated: 2025-03-26. Review status: criteria provided, single submitter. Criteria: GeneDx Variant Classification Process June 2021. Collection method: clinical testing. Allele origin: germline. Affected: yes.
Comment: Not observed at significant frequency in large population cohorts (gnomAD); In silico analysis indicates that this missense variant does not alter protein structure/function; Has not been previously published as pathogenic or benign to our knowledge

NM_001807.6(CEL):c.455C>T (p.Thr152Ile)

Gene: CEL (carboxyl ester lipase; plus strand). Cytogenetic location: 9q34.13.
Variant type: single nucleotide variant.
Coding change: c.455C>T on transcript NM_001807.6 (MANE Select); coding-DNA position 455, C replaced by T.
Protein change: p.Thr152Ile; replaces threonine 152 with isoleucine.
Molecular consequence: missense variant.
Genome position (GRCh38, 1-based): chr9:133,065,154, C>T. VCF-style: chr9-133065154-C-T. GRCh37 (hg19) VCF-style: chr9-135940541-C-T.
Other names: short protein forms T152I.
Identifiers: ClinVar variation 4087833 (VCV004087833.1).
Genomic context (GRCh38, chr9:133,065,154, plus strand): 5'-GGTCCGGCCATGGGGCCAACTTCCTCAACAACTACCTGTATGACGGCGAGGAGATCGCCA[C>T]ACGCGGAAACGTCATCGTGGTCACCTTCAACTACCGTGTCGGCCCCCTTGGGTTCCTCAG-3'
Protein context (NP_001798.3, residues 142-162): NYLYDGEEIA[Thr152Ile]RGNVIVVTFN